The following is an entry in ClinVar:

NM_001399.5(EDA):c.552_578del (p.Asn185_Pro193del)

Gene: EDA (ectodysplasin A; plus strand). Cytogenetic location: Xq13.1.
Variant type: Deletion.
Coding change: c.552_578del on transcript NM_001399.5 (MANE Select); coding-DNA positions 552 to 578, 27 bases deleted (CAATGGCCCTCCAGGACCCCCAGGACC).
Protein change: p.Asn185_Pro193del.
Molecular consequence: inframe deletion.
Genome position (GRCh38, 1-based): chrX:70,027,882-70,027,908, CAATGGCCCTCCAGGACCCCCAGGACC deleted; deleting any 27 consecutive bases within chrX:70,027,877-70,027,908 gives the same sequence; the c. name uses the placement nearest the transcript's 3' end. VCF-style (leftmost placement, unchanged base first): chrX-70027876-TGGACCCAATGGCCCTCCAGGACCCCCA-T. GRCh37 (hg19) VCF-style: chrX-69247726-TGGACCCAATGGCCCTCCAGGACCCCCA-T.
Other names: c.552_578del, p.Asn185_Pro193del (NM_001005609.2, NM_001005612.3).
Identifiers: ClinVar variation 1352916 (VCV001352916.8), dbSNP rs2147509524, ClinGen allele CA2573159012.

ClinVar aggregate classification (germline): Pathogenic (1 of 4 stars; one submission).

Conditions:
Hypohidrotic X-linked ectodermal dysplasia (XHED). Also called: ECTODERMAL DYSPLASIA, HYPOHIDROTIC, 1; CST SYNDROME; Ectodermal Dysplasia 1, Anhidrotic; ECTODERMAL DYSPLASIA 1; Anhidrotic ectodermal dysplasia X-linked; Christ Siemens Touraine syndrome. Identifiers: Orphanet 181, Orphanet 238468, MedGen C0162359, MONDO:0010585, OMIM 305100.

Submission:

Labcorp Genetics (formerly Invitae), Labcorp
Classification: Pathogenic for Hypohidrotic X-linked ectodermal dysplasia. Last evaluated: 2023-07-17. Review status: criteria provided, single submitter. Criteria: Invitae Variant Classification Sherloc (09022015). Collection method: clinical testing. Allele origin: germline.
Comment: For these reasons, this variant has been classified as Pathogenic. This variant disrupts a region of the EDA protein in which other variant(s) (p.Pro188_Pro193del) have been determined to be pathogenic (PMID: 9736768, 11279189, 27305980). This suggests that this is a clinically significant region of the protein, and that variants that disrupt it are likely to be disease-causing. ClinVar contains an entry for this variant (Variation ID: 1352916). This variant has been observed in individual(s) with clinical features of ectodermal dysplasia (Invitae). It has also been observed to segregate with disease in related individuals. This variant is not present in population databases (gnomAD no frequency). This variant, c.552_578del, results in the deletion of 9 amino acid(s) of the EDA protein (p.Asn185_Pro193del), but otherwise preserves the integrity of the reading frame.

Literature cited by the submitters: PubMed 9736768; PubMed 11279189; PubMed 27305980.